The following is an entry in ClinVar:

ClinVar aggregate classification (germline): Benign. Review status: criteria provided, multiple submitters, no conflicts (2 of 4 stars). 3 submissions from 3 submitters: Benign (2). 1 of the submissions does not count toward it. Last evaluated 2021-10-30.

Conditions:
EP400-related disorder. Also called: EP400-related condition.

Allele frequency attached by ClinVar (database versions not stated): gnomAD exomes 0.13612 and 0.17832; ExAC 0.18902; gnomAD 0.29700 and 0.30676; ESP Exome Variant Server 0.30793; TOPMed 0.31062; 1000 Genomes Project 0.32867; 1000 Genomes Project 30x 0.33854.
gnomAD v4.1: 246,232 of 1,613,106 alleles (15%); highest among the groups gnomAD compares: African/African-American, 71%; 32,789 homozygotes.

Submissions (3):

GeneDx
Classification: Benign. Last evaluated: 2021-10-30. Review status: criteria provided, single submitter. Criteria: GeneDx Variant Classification Process June 2021. Collection method: clinical testing. Allele origin: germline. Affected: yes.

Breakthrough Genomics
Classification: Benign. Review status: criteria provided, single submitter. Criteria: ACMG Guidelines, 2015. Collection method: not provided. Allele origin: germline. Inheritance: Unknown mechanism. Affected: yes.

PreventionGenetics, part of Exact Sciences
Classification: Benign for EP400-related condition. Last evaluated: 2019-10-17. Review status: no assertion criteria provided. Collection method: clinical testing. Allele origin: germline. Not counted in ClinVar's aggregate classification.
Comment: This variant is classified as benign based on ACMG/AMP sequence variant interpretation guidelines (Richards et al. 2015 PMID: 25741868, with internal and published modifications).

NM_015409.5(EP400):c.4758A>G (p.Pro1586=)

Gene: EP400 (E1A binding protein p400; plus strand). Cytogenetic location: 12q24.33.
Variant type: single nucleotide variant.
Coding change: c.4758A>G on transcript NM_015409.5 (MANE Select); coding-DNA position 4758, A replaced by G.
Protein change: p.Pro1586=; no amino-acid change (proline 1586 retained).
Molecular consequence: synonymous variant.
Genome position (GRCh38, 1-based): chr12:132,023,844, A>G. VCF-style: chr12-132023844-A-G. GRCh37 (hg19) VCF-style: chr12-132508389-A-G.
Identifiers: ClinVar variation 1314961 (VCV001314961.5), dbSNP rs7133119, ClinGen allele CA6885793.